The following is an entry in ClinVar:

ClinVar aggregate classification (germline): Pathogenic (1 of 4 stars; one submission).

Submission:

Labcorp Genetics (formerly Invitae), Labcorp
Classification: Pathogenic. Last evaluated: 2023-10-06. Review status: criteria provided, single submitter. Criteria: Invitae Variant Classification Sherloc (09022015). Collection method: clinical testing. Allele origin: unknown.
Comment: This variant is a gross deletion of the genomic region encompassing exon(s) 12-16 of the ABCB11 gene. This deletion is out-of-frame, and is expected to create a premature termination codon and result in an absent or disrupted protein product. Loss-of-function variants in ABCB11 are known to be pathogenic (PMID: 18395098, 20232290). This variant has not been reported in the literature in individuals affected with ABCB11-related conditions. For these reasons, this variant has been classified as Pathogenic.

Literature cited by the submitters: PubMed 18395098; PubMed 20232290.

NC_000002.11:g.(?_169825840)_(169833217_?)del

Gene: ABCB11 (ATP binding cassette subfamily B member 11; minus strand). Cytogenetic location: 2q31.1.
Variant type: Deletion.
Identifiers: ClinVar variation 3247516 (VCV003247516.1).